The following is an entry in ClinVar:

NC_000022.11:g.(?_29654651)_(29654731_?)del

Gene: NF2 (NF2, moesin-ezrin-radixin like (MERLIN) tumor suppressor; plus strand). Cytogenetic location: 22q12.2.
Variant type: Deletion.
Identifiers: ClinVar variation 527728 (VCV000527728.1).

ClinVar aggregate classification (germline): Uncertain significance (1 of 4 stars; one submission).

Conditions:
Neurofibromatosis, type 2 (SWNV). Also called: NF2-Related Schwannomatosis; BILATERAL ACOUSTIC NEUROFIBROMATOSIS; SCHWANNOMATOSIS, VESTIBULAR. Identifiers: Orphanet 637, MedGen C0027832, MONDO:0007039, OMIM 101000. Disease mechanism: loss of function.

Submission:

Labcorp Genetics (formerly Invitae), Labcorp
Classification: Uncertain significance for Neurofibromatosis, type 2. Last evaluated: 2018-01-05. Review status: criteria provided, single submitter. Criteria: Invitae Variant Classification Sherloc (09022015). Collection method: clinical testing. Allele origin: germline.
Comment: This variant is an in-frame deletion of the genomic region encompassing exon 5 of the NF2 gene. It preserves the integrity of the reading frame. A similar deletion of exon 5 has been reported in an individual affected with neurofibromatosis type 2 (PMID: 19968670). Experimental studies and prediction algorithms are not available for this variant, and the functional significance of the deleted amino acids is currently unknown. In summary, the available evidence is currently insufficient to determine the role of this variant in disease. Therefore, it has been classified as a Variant of Uncertain Significance.

Literature cited by the submitters: PubMed 19968670.